The following is an entry in ClinVar:

NM_018418.5(SPATA7):c.1069A>G (p.Lys357Glu)

Gene: SPATA7 (spermatogenesis associated 7; plus strand). Cytogenetic location: 14q31.3.
Variant type: single nucleotide variant.
Coding change: c.1069A>G on transcript NM_018418.5 (MANE Select); coding-DNA position 1069, A replaced by G.
Protein change: p.Lys357Glu; replaces lysine 357 with glutamic acid.
Molecular consequence: missense variant.
Genome position (GRCh38, 1-based): chr14:88,431,212, A>G. VCF-style: chr14-88431212-A-G. GRCh37 (hg19) VCF-style: chr14-88897556-A-G.
Other names: c.973A>G, p.Lys325Glu (NM_001040428.4); short protein forms K325E, K357E.
Identifiers: ClinVar variation 1521722 (VCV001521722.6), dbSNP rs1468094515, ClinGen allele CA390567725.

ClinVar aggregate classification (germline): Uncertain significance (1 of 4 stars; one submission).

Conditions:
Leber congenital amaurosis 3 (LCA3). Also called: SPATA7-Related Retinitis Pigmentosa. Identifiers: MedGen C1858677, MONDO:0011415, OMIM 604232.

Allele frequency attached by ClinVar (database versions not stated): gnomAD exomes below 0.00001.
gnomAD v4.1: 1 of 1,613,620 alleles (0.000062%); highest among the groups gnomAD compares: African/African-American, 0.0013%; no homozygotes.

Submission:

Labcorp Genetics (formerly Invitae), Labcorp
Classification: Uncertain significance for Leber congenital amaurosis 3. Last evaluated: 2021-09-27. Review status: criteria provided, single submitter. Criteria: Invitae Variant Classification Sherloc (09022015). Collection method: clinical testing. Allele origin: germline.
Comment: In summary, the available evidence is currently insufficient to determine the role of this variant in disease. Therefore, it has been classified as a Variant of Uncertain Significance. Algorithms developed to predict the effect of missense changes on protein structure and function are either unavailable or do not agree on the potential impact of this missense change (SIFT: "Tolerated"; PolyPhen-2: "Possibly Damaging"; Align-GVGD: "Class C0"). This variant has not been reported in the literature in individuals affected with SPATA7-related conditions. This variant is not present in population databases (ExAC no frequency). This sequence change replaces lysine with glutamic acid at codon 357 of the SPATA7 protein (p.Lys357Glu). The lysine residue is moderately conserved and there is a small physicochemical difference between lysine and glutamic acid.